The following is an entry in ClinVar:

ClinVar aggregate classification (germline): Likely benign. Review status: criteria provided, multiple submitters, no conflicts (2 of 4 stars). 4 submissions from 4 submitters: Likely benign (4). Last evaluated 2026-01-19.

Conditions:
FAT4-related disorder. Also called: FAT4-related condition.
Inborn genetic diseases. Identifiers: MedGen C0950123, MeSH D030342.

Allele frequency attached by ClinVar (database versions not stated): gnomAD exomes 0.00019; ExAC 0.00024; ESP Exome Variant Server 0.00033; TOPMed 0.00080; 1000 Genomes Project 30x 0.00156; 1000 Genomes Project 0.00160.
gnomAD v4.1: 218 of 1,602,968 alleles (0.014%); highest among the groups gnomAD compares: African/African-American, 0.25%; no homozygotes.

Submissions (4):

Labcorp Genetics (formerly Invitae), Labcorp
Classification: Likely benign. Last evaluated: 2026-01-19. Review status: criteria provided, single submitter. Criteria: Invitae Variant Classification Sherloc (09022015). Collection method: clinical testing. Allele origin: germline.

PreventionGenetics, part of Exact Sciences
Classification: Likely benign for FAT4-related condition. Last evaluated: 2025-01-09. Review status: criteria provided, single submitter. Criteria: ACMG Guidelines, 2015. Collection method: clinical testing. Allele origin: germline.
Comment: This variant is classified as likely benign based on ACMG/AMP sequence variant interpretation guidelines (Richards et al. 2015 PMID: 25741868, with internal and published modifications).

Ambry Genetics
Classification: Likely benign for Inborn genetic diseases. Last evaluated: 2021-08-04. Review status: criteria provided, single submitter. Criteria: Ambry Variant Classification Scheme 2023. Collection method: clinical testing. Allele origin: germline.

Breakthrough Genomics
Classification: Likely benign. Review status: criteria provided, single submitter. Criteria: ACMG Guidelines, 2015. Collection method: not provided. Allele origin: germline. Inheritance: Autosomal recessive inheritance. Affected: yes.

NM_001291303.3(FAT4):c.761A>T (p.His254Leu)

Gene: FAT4 (FAT atypical cadherin 4; plus strand). Cytogenetic location: 4q28.1.
Variant type: single nucleotide variant.
Coding change: c.761A>T on transcript NM_001291303.3 (MANE Select); coding-DNA position 761, A replaced by T.
Protein change: p.His254Leu; replaces histidine 254 with leucine.
Molecular consequence: missense variant.
Genome position (GRCh38, 1-based): chr4:125,317,172, A>T. VCF-style: chr4-125317172-A-T. GRCh37 (hg19) VCF-style: chr4-126238327-A-T.
Other names: c.761A>T, p.His254Leu (NM_001291285.3, NM_024582.6); c.761A>T (NM_001291303.1); short protein forms H254L.
Identifiers: ClinVar variation 732105 (VCV000732105.12), dbSNP rs201036193, ClinGen allele CA3071857.